The following is an entry in ClinVar:

ClinVar aggregate classification (germline): Likely benign (1 of 4 stars; one submission).

gnomAD v4.1: 794 of 1,452,138 alleles (0.055%); highest among the groups gnomAD compares: African/African-American, 1.1%; 3 homozygotes.

Submission:

CeGaT Center for Human Genetics Tuebingen
Classification: Likely benign. Last evaluated: 2026-03-01. Review status: criteria provided, single submitter. Criteria: CeGaT Center For Human Genetics Tuebingen Variant Classification Criteria Version 2. Collection method: clinical testing. Allele origin: germline. Affected: yes. Observed: 1 variant allele.
Comment: GNAI1: BP4, BS1

NM_002069.6(GNAI1):c.118+7G>C

Gene: GNAI1 (G protein subunit alpha i1; plus strand). Cytogenetic location: 7q21.11.
Variant type: single nucleotide variant.
Coding change: c.118+7G>C on transcript NM_002069.6 (MANE Select); 7 bases into the intron after coding-DNA position 118, G replaced by C.
Molecular consequence: intron variant.
Genome position (GRCh38, 1-based): chr7:80,135,285, G>C. VCF-style: chr7-80135285-G-C. GRCh37 (hg19) VCF-style: chr7-79764601-G-C.
Identifiers: ClinVar variation 4821433 (VCV004821433.4).